The following is an entry in ClinVar:

ClinVar aggregate classification (germline): Uncertain significance (1 of 4 stars; one submission).

Conditions:
Alstrom syndrome (ALMS). Identifiers: Orphanet 64, MedGen C0268425, MONDO:0008763, OMIM 203800.

gnomAD v4.1: 1 of 1,614,192 alleles (0.000062%); no homozygotes.

Submission:

Labcorp Genetics (formerly Invitae), Labcorp
Classification: Uncertain significance for Alstrom syndrome. Last evaluated: 2025-11-04. Review status: criteria provided, single submitter. Criteria: Invitae Variant Classification Sherloc (09022015). Collection method: clinical testing. Allele origin: germline.
Comment: This sequence change replaces valine, which is neutral and non-polar, with glycine, which is neutral and non-polar, at codon 3048 of the ALMS1 protein (p.Val3048Gly). This variant is present in population databases (no rsID available, gnomAD no frequency). This variant has not been reported in the literature in individuals affected with ALMS1-related conditions. ClinVar contains an entry for this variant (Variation ID: 2185514). Experimental studies and prediction algorithms are not available or were not evaluated, and the functional significance of this variant is currently unknown. In summary, the available evidence is currently insufficient to determine the role of this variant in disease. Therefore, it has been classified as a Variant of Uncertain Significance.

NM_001378454.1(ALMS1):c.9140T>G (p.Val3047Gly)

Gene: ALMS1 (ALMS1 centrosome and basal body associated protein; plus strand). Cytogenetic location: 2p13.1.
Variant type: single nucleotide variant.
Coding change: c.9140T>G on transcript NM_001378454.1 (MANE Select); coding-DNA position 9140, T replaced by G.
Protein change: p.Val3047Gly; replaces valine 3047 with glycine.
Molecular consequence: missense variant.
Genome position (GRCh38, 1-based): chr2:73,491,099, T>G. VCF-style: chr2-73491099-T-G. GRCh37 (hg19) VCF-style: chr2-73718226-T-G.
Other names: c.9143T>G, p.Val3048Gly (NM_015120.4); short protein forms V3048G, V3047G.
Identifiers: ClinVar variation 2185514 (VCV002185514.4), dbSNP rs1283312642, ClinGen allele CA347273236.
Genomic context (GRCh38, chr2:73,491,099, plus strand): 5'-ACTGTACATTAGCAGCATCTGCATCTACTCCTCCTTCAAATAGAAAAGCACTTTCTTGTG[T>G]TCATATAACTCTTTGTCCCAAGACTTCTTCCAAGTTGGATAGTGGAACTTTAGATGAAAG-3'
Protein context (NP_001365383.1, residues 3037-3057): PPSNRKALSC[Val3047Gly]HITLCPKTSS